The following is an entry in ClinVar:

NM_001363711.2(DUOX2):c.2998G>A (p.Gly1000Ser)

Gene: DUOX2 (dual oxidase 2; minus strand). Cytogenetic location: 15q21.1.
Variant type: single nucleotide variant.
Coding change: c.2998G>A on transcript NM_001363711.2 (MANE Select); coding-DNA position 2998, G replaced by A.
Protein change: p.Gly1000Ser; replaces glycine 1000 with serine.
Molecular consequence: missense variant.
Genome position (GRCh38, 1-based): chr15:45,100,762, C>T on the plus strand (G>A on the coding strand, the complement: DUOX2 is on the minus strand). VCF-style: chr15-45100762-C-T. GRCh37 (hg19) VCF-style: chr15-45392960-C-T.
Other names: c.2998G>A, p.Gly1000Ser (NM_014080.5); short protein forms G1000S.
Identifiers: ClinVar variation 4778694 (VCV004778694.1).

ClinVar aggregate classification (germline): Uncertain significance (1 of 4 stars; one submission).

gnomAD v4.1: 2 of 1,613,996 alleles (0.00012%); highest among the groups gnomAD compares: Non-Finnish European, 0.000085%; no homozygotes.

Submission:

Labcorp Genetics (formerly Invitae), Labcorp
Classification: Uncertain significance. Last evaluated: 2025-11-22. Review status: criteria provided, single submitter. Criteria: Invitae Variant Classification Sherloc (09022015). Collection method: clinical testing. Allele origin: germline.
Comment: This sequence change replaces glycine, which is neutral and non-polar, with serine, which is neutral and polar, at codon 1000 of the DUOX2 protein (p.Gly1000Ser). This variant is not present in population databases (gnomAD no frequency). This variant has not been reported in the literature in individuals affected with DUOX2-related conditions. An algorithm developed to predict the effect of missense changes on protein structure and function (PolyPhen-2) suggests that this variant is likely to be disruptive. In summary, the available evidence is currently insufficient to determine the role of this variant in disease. Therefore, it has been classified as a Variant of Uncertain Significance.